The following is an entry in ClinVar:

NM_000038.6(APC):c.6386C>A (p.Ser2129Ter)

Gene: APC (APC regulator of Wnt signaling pathway; plus strand). Cytogenetic location: 5q22.2.
Variant type: single nucleotide variant.
Coding change: c.6386C>A on transcript NM_000038.6 (MANE Select); coding-DNA position 6386, C replaced by A.
Protein change: p.Ser2129Ter; replaces serine 2129 with a stop codon.
Molecular consequence: nonsense. On other transcripts: non-coding transcript variant (2).
Genome position (GRCh38, 1-based): chr5:112,841,980, C>A. VCF-style: chr5-112841980-C-A. GRCh37 (hg19) VCF-style: chr5-112177677-C-A.
Other names: c.6386C>A (NM_000038.5); c.6386C>A, p.Ser2129Ter (NM_001127510.3, NM_001354895.2, NM_001407450.1); c.6332C>A, p.Ser2111Ter (NM_001127511.3); c.6440C>A, p.Ser2147Ter (NM_001354896.2, NM_001407447.1, NM_001407448.1 and 1 more transcripts); c.6416C>A, p.Ser2139Ter (NM_001354897.2); c.6311C>A, p.Ser2104Ter (NM_001354898.2); c.6302C>A, p.Ser2101Ter (NM_001354899.2); c.6263C>A, p.Ser2088Ter (NM_001354900.2); and 12 more; short protein forms S1745*, S1846*, S1969*, S2000*, S2003*, S2028*, S2038*, S2046*.
Identifiers: ClinVar variation 2584092 (VCV002584092.3), dbSNP rs587782301, ClinGen allele CA16035314.

ClinVar aggregate classification (germline): Pathogenic/Likely pathogenic. Review status: criteria provided, multiple submitters, no conflicts (2 of 4 stars). 2 submissions from 2 submitters: Pathogenic (1); Likely pathogenic (1). Last evaluated 2026-02-05.

Conditions:
Familial adenomatous polyposis 1 (FAP1). Also called: FAMILIAL ADENOMATOUS POLYPOSIS 1, ATTENUATED; POLYPOSIS, ADENOMATOUS INTESTINAL. Identifiers: MedGen C2713442, MONDO:0021056, OMIM 175100. Disease mechanism: loss of function.

Submissions (2):

GeneDx
Classification: Likely pathogenic. Last evaluated: 2026-02-05. Review status: criteria provided, single submitter. Criteria: GeneDx Variant Classification Process June 2021. Collection method: clinical testing. Allele origin: germline. Affected: yes.
Comment: Nonsense variant predicted to result in protein truncation in a gene for which loss of function is a known mechanism of disease; Not observed at significant frequency in large population cohorts (gnomAD); Has not been previously published as pathogenic or benign to our knowledge

Myriad Genetics, Inc.
Classification: Pathogenic for Familial adenomatous polyposis 1. Last evaluated: 2023-05-15. Review status: criteria provided, single submitter. Criteria: Myriad Autosomal Dominant, Autosomal Recessive and X-Linked Classification Criteria (2023). Collection method: clinical testing. Allele origin: unknown.
Comment: This variant is considered pathogenic. This variant creates a termination codon and is predicted to result in premature protein truncation.